The following is an entry in ClinVar:

ClinVar aggregate classification (germline): Uncertain significance (0 of 4 stars; one submission).

Conditions:
PLXNA1-related disorder. Also called: PLXNA1-related condition.

gnomAD v4.1: 52 of 1,613,122 alleles (0.0032%); highest among the groups gnomAD compares: Middle Eastern, 0.033%; no homozygotes.

Submission:

PreventionGenetics, part of Exact Sciences
Classification: Uncertain significance for PLXNA1-related condition. Last evaluated: 2024-04-10. Review status: no assertion criteria provided. Collection method: clinical testing. Allele origin: germline.
Comment: The PLXNA1 c.397G>A variant is predicted to result in the amino acid substitution p.Ala133Thr. To our knowledge, this variant has not been reported in the literature. This variant is reported in 0.026% of alleles in individuals of Latino descent in gnomAD. At this time, the clinical significance of this variant is uncertain due to the absence of conclusive functional and genetic evidence.

NM_032242.4(PLXNA1):c.397G>A (p.Ala133Thr)

Gene: PLXNA1 (plexin A1; plus strand). Cytogenetic location: 3q21.3.
Variant type: single nucleotide variant.
Coding change: c.397G>A on transcript NM_032242.4 (MANE Select); coding-DNA position 397, G replaced by A.
Protein change: p.Ala133Thr; replaces alanine 133 with threonine.
Molecular consequence: missense variant.
Genome position (GRCh38, 1-based): chr3:126,988,990, G>A. VCF-style: chr3-126988990-G-A. GRCh37 (hg19) VCF-style: chr3-126707833-G-A.
Other names: short protein forms A133T.
Identifiers: ClinVar variation 3351574 (VCV003351574.1).